The following is an entry in ClinVar:

ClinVar aggregate classification (germline): Likely pathogenic (1 of 4 stars; one submission).

Submission:

Labcorp Genetics (formerly Invitae), Labcorp
Classification: Likely pathogenic. Last evaluated: 2023-12-12. Review status: criteria provided, single submitter. Criteria: Invitae Variant Classification Sherloc (09022015). Collection method: clinical testing. Allele origin: germline.
Comment: This sequence change replaces glutamine, which is neutral and polar, with leucine, which is neutral and non-polar, at codon 413 of the SLC26A4 protein (p.Gln413Leu). This variant is not present in population databases (gnomAD no frequency). This variant has not been reported in the literature in individuals affected with SLC26A4-related conditions. Advanced modeling of protein sequence and biophysical properties (such as structural, functional, and spatial information, amino acid conservation, physicochemical variation, residue mobility, and thermodynamic stability) performed at Invitae indicates that this missense variant is expected to disrupt SLC26A4 protein function with a positive predictive value of 95%. This variant disrupts the p.Gln413 amino acid residue in SLC26A4. Other variant(s) that disrupt this residue have been determined to be pathogenic (PMID: 20137612, 21961810, 23185506, 24248179, 25015771, 25266519, 25290043, 25372295, 26752218). This suggests that this residue is clinically significant, and that variants that disrupt this residue are likely to be disease-causing. In summary, the currently available evidence indicates that the variant is pathogenic, but additional data are needed to prove that conclusively. Therefore, this variant has been classified as Likely Pathogenic.

Literature cited by the submitters: PubMed 20137612; PubMed 21961810; PubMed 23185506; PubMed 24248179; PubMed 25015771; PubMed 25266519; PubMed 25290043; PubMed 25372295; PubMed 26752218.

NM_000441.2(SLC26A4):c.1238A>T (p.Gln413Leu)

Gene: SLC26A4 (solute carrier family 26 member 4; plus strand). Cytogenetic location: 7q22.3.
Variant type: single nucleotide variant.
Coding change: c.1238A>T on transcript NM_000441.2 (MANE Select); coding-DNA position 1238, A replaced by T.
Protein change: p.Gln413Leu; replaces glutamine 413 with leucine.
Molecular consequence: missense variant.
Genome position (GRCh38, 1-based): chr7:107,690,212, A>T. VCF-style: chr7-107690212-A-T. GRCh37 (hg19) VCF-style: chr7-107330657-A-T.
Other names: short protein forms Q413L.
Identifiers: ClinVar variation 2809546 (VCV002809546.3), dbSNP rs142498437, ClinGen allele CA368839288.